The following is an entry in ClinVar:

NM_002667.5(PLN):c.121T>A (p.Cys41Ser)

Genes: PLN (phospholamban; plus strand), CEP85L (centrosomal protein 85L; minus strand). Cytogenetic location: 6q22.31.
Variant type: single nucleotide variant.
Coding change: c.121T>A on transcript NM_002667.5 (MANE Select); coding-DNA position 121, T replaced by A.
Protein change: p.Cys41Ser; replaces cysteine 41 with serine.
Molecular consequence: missense variant. On other transcripts: intron variant (3).
Genome position (GRCh38, 1-based): chr6:118,559,042, T>A. VCF-style: chr6-118559042-T-A. GRCh37 (hg19) VCF-style: chr6-118880205-T-A.
Other names: c.1029+6487A>T (NM_001178035.2); c.1020+6487A>T (NM_001042475.3, NM_206921.3); short protein forms C41S.
Identifiers: ClinVar variation 2136456 (VCV002136456.1), dbSNP rs2534333917, ClinGen allele CA365546591.
Genomic context (GRCh38, chr6:118,559,042, plus strand): 5'-CCTCAACAAGCACGTCAAAAGCTACAGAATCTATTTATCAATTTCTGTCTCATCTTAATA[T>A]GTCTCTTGCTGATCTGTATCATCGTGATGCTTCTCTGAAGTTCTGCTACAACCTCTAGAT-3'
Protein context (NP_002658.1, residues 31-51): LFINFCLILI[Cys41Ser]LLLICIIVML

ClinVar aggregate classification (germline): Uncertain significance (1 of 4 stars; one submission).

Conditions:
Dilated cardiomyopathy 1P (CMD1P). Identifiers: Orphanet 154, MedGen C1835928, MONDO:0012362, OMIM 609909.

Allele frequency attached by ClinVar (database versions not stated): gnomAD exomes 0.00001.
gnomAD v4.1: 7 of 1,611,392 alleles (0.00043%); highest among the groups gnomAD compares: Non-Finnish European, 0.00059%; no homozygotes.

Submission:

Labcorp Genetics (formerly Invitae), Labcorp
Classification: Uncertain significance for Dilated cardiomyopathy 1P. Last evaluated: 2021-09-01. Review status: criteria provided, single submitter. Criteria: Invitae Variant Classification Sherloc (09022015). Collection method: clinical testing. Allele origin: germline.
Comment: This sequence change replaces cysteine with serine at codon 41 of the PLN protein (p.Cys41Ser). The cysteine residue is highly conserved and there is a moderate physicochemical difference between cysteine and serine. This variant is not present in population databases (ExAC no frequency). This missense change has been observed in individual(s) with hypertrophic cardiomyopathy (PMID: 27532257). Algorithms developed to predict the effect of missense changes on protein structure and function are either unavailable or do not agree on the potential impact of this missense change (SIFT: "Deleterious"; PolyPhen-2: "Benign"; Align-GVGD: "Class C65"). Algorithms developed to predict the effect of sequence changes on RNA splicing suggest that this variant may create or strengthen a splice site. In summary, the available evidence is currently insufficient to determine the role of this variant in disease. Therefore, it has been classified as a Variant of Uncertain Significance.

Literature cited by the submitters: PubMed 27532257.